The following is an entry in ClinVar:

ClinVar aggregate classification (germline): Likely benign (0 of 4 stars; one submission).

Conditions:
GLI2-related disorder. Also called: GLI2-related condition; GLI2-related disorders.

gnomAD v4.1: 2 of 1,614,220 alleles (0.00012%); highest among the groups gnomAD compares: South Asian, 0.0011%; no homozygotes.

Submission:

PreventionGenetics, part of Exact Sciences
Classification: Likely benign for GLI2-related condition. Last evaluated: 2024-04-03. Review status: no assertion criteria provided. Collection method: clinical testing. Allele origin: germline.
Comment: This variant is classified as likely benign based on ACMG/AMP sequence variant interpretation guidelines (Richards et al. 2015 PMID: 25741868, with internal and published modifications).

NM_001374353.1(GLI2):c.1344G>A (p.Gly448=)

Gene: GLI2 (GLI family zinc finger 2; plus strand). Cytogenetic location: 2q14.2.
Variant type: single nucleotide variant.
Coding change: c.1344G>A on transcript NM_001374353.1 (MANE Select); coding-DNA position 1344, G replaced by A.
Protein change: p.Gly448=; no amino-acid change (glycine 448 retained).
Molecular consequence: synonymous variant.
Genome position (GRCh38, 1-based): chr2:120,978,460, G>A. VCF-style: chr2-120978460-G-A. GRCh37 (hg19) VCF-style: chr2-121736036-G-A.
Other names: c.1395G>A, p.Gly465= (NM_001371271.1, NM_005270.5); c.969G>A, p.Gly323= (NM_001374354.1).
Identifiers: ClinVar variation 3349917 (VCV003349917.1).